The following is an entry in ClinVar:

ClinVar aggregate classification (germline): Uncertain significance (1 of 4 stars; one submission).

Conditions:
Combined oxidative phosphorylation defect type 17. Also called: Combined oxidative phosphorylation deficiency 17. Identifiers: Orphanet 369913, MedGen C3809526, MONDO:0014190, OMIM 615440.

Allele frequency attached by ClinVar (database versions not stated): TOPMed below 0.00001; gnomAD 0.00001.

Submission:

Labcorp Genetics (formerly Invitae), Labcorp
Classification: Uncertain significance for Combined oxidative phosphorylation defect type 17. Last evaluated: 2022-05-04. Review status: criteria provided, single submitter. Criteria: Invitae Variant Classification Sherloc (09022015). Collection method: clinical testing. Allele origin: germline.
Comment: This sequence change replaces proline, which is neutral and non-polar, with leucine, which is neutral and non-polar, at codon 36 of the ELAC2 protein (p.Pro36Leu). This variant is not present in population databases (gnomAD no frequency). This variant has not been reported in the literature in individuals affected with ELAC2-related conditions. Algorithms developed to predict the effect of missense changes on protein structure and function output the following: SIFT: "Tolerated"; PolyPhen-2: "Benign"; Align-GVGD: "Class C0". The leucine amino acid residue is found in multiple mammalian species, which suggests that this missense change does not adversely affect protein function. In summary, the available evidence is currently insufficient to determine the role of this variant in disease. Therefore, it has been classified as a Variant of Uncertain Significance.

NM_018127.7(ELAC2):c.107C>T (p.Pro36Leu)

Gene: ELAC2 (elaC ribonuclease Z 2; minus strand). Cytogenetic location: 17p12.
Variant type: single nucleotide variant.
Coding change: c.107C>T on transcript NM_018127.7 (MANE Select); coding-DNA position 107, C replaced by T.
Protein change: p.Pro36Leu; replaces proline 36 with leucine.
Molecular consequence: missense variant.
Genome position (GRCh38, 1-based): chr17:13,017,841, G>A on the plus strand (C>T on the coding strand, the complement: ELAC2 is on the minus strand). VCF-style: chr17-13017841-G-A. GRCh37 (hg19) VCF-style: chr17-12921158-G-A.
Other names: c.107C>T, p.Pro36Leu (NM_001165962.2, NM_173717.2); short protein forms P36L.
Identifiers: ClinVar variation 1952710 (VCV001952710.3), dbSNP rs773593267, ClinGen allele CA8401837.